The following is an entry in ClinVar:

ClinVar aggregate classification (germline): Benign/Likely benign. Review status: criteria provided, multiple submitters, no conflicts (2 of 4 stars). 2 submissions from 2 submitters: Benign (1); Likely benign (1). Last evaluated 2024-12-26.

Conditions:
Hereditary cancer-predisposing syndrome. Also called: Hereditary neoplastic syndrome; Tumor predisposition; Hereditary Cancer Syndrome; Neoplastic Syndromes, Hereditary. Identifiers: Orphanet 140162, MedGen C0027672, MeSH D009386, MONDO:0015356.
Lynch syndrome 5 (LYNCH5). Also called: Colorectal cancer, hereditary nonpolyposis, type 5; Hereditary non-polyposis colorectal cancer, type 5. Identifiers: Orphanet 144, MedGen C1833477, MONDO:0013710, OMIM 614350. Disease mechanism: loss of function.

Submissions (2):

Myriad Genetics, Inc.
Classification: Benign for Lynch syndrome 5. Last evaluated: 2024-12-26. Review status: criteria provided, single submitter. Criteria: Myriad Autosomal Dominant, Autosomal Recessive and X-Linked Classification Criteria (2023). Collection method: clinical testing. Allele origin: unknown.
Comment: This variant is considered benign. This variant is a silent/synonymous amino acid change and it is not expected to impact splicing.

Color Diagnostics, LLC DBA Color Health
Classification: Likely benign for Hereditary cancer-predisposing syndrome. Last evaluated: 2016-07-11. Review status: criteria provided, single submitter. Criteria: ACMG Guidelines, 2015. Collection method: clinical testing. Allele origin: germline.

NM_000179.3(MSH6):c.1404T>C (p.Arg468=)

Gene: MSH6 (mutS homolog 6; plus strand). Cytogenetic location: 2p16.3.
Variant type: single nucleotide variant.
Coding change: c.1404T>C on transcript NM_000179.3 (MANE Select); coding-DNA position 1404, T replaced by C.
Protein change: p.Arg468=; no amino-acid change (arginine 468 retained).
Molecular consequence: synonymous variant.
Genome position (GRCh38, 1-based): chr2:47,799,387, T>C. VCF-style: chr2-47799387-T-C. GRCh37 (hg19) VCF-style: chr2-48026526-T-C.
Other names: c.1014T>C, p.Arg338= (NM_001281492.2); c.498T>C, p.Arg166= (NM_001281493.2, NM_001281494.2).
Identifiers: ClinVar variation 491873 (VCV000491873.4), dbSNP rs1553412818, ClinGen allele CA426121163.